The following is an entry in ClinVar:

NM_017780.4(CHD7):c.5884A>G (p.Lys1962Glu)

Gene: CHD7 (chromodomain helicase DNA binding protein 7; plus strand). Cytogenetic location: 8q12.2.
Variant type: single nucleotide variant.
Coding change: c.5884A>G on transcript NM_017780.4 (MANE Select); coding-DNA position 5884, A replaced by G.
Protein change: p.Lys1962Glu; replaces lysine 1962 with glutamic acid.
Molecular consequence: missense variant. On other transcripts: intron variant (1).
Genome position (GRCh38, 1-based): chr8:60,852,237, A>G. VCF-style: chr8-60852237-A-G. GRCh37 (hg19) VCF-style: chr8-61764796-A-G.
Other names: c.1717-9992A>G (NM_001316690.1); short protein forms K1962E.
Identifiers: ClinVar variation 3371095 (VCV003371095.1).

ClinVar aggregate classification (germline): Uncertain significance (1 of 4 stars; one submission).

gnomAD v4.1: 2 of 1,612,122 alleles (0.00012%); highest among the groups gnomAD compares: Non-Finnish European, 0.00017%; no homozygotes.

Submission:

GeneDx
Classification: Uncertain significance. Last evaluated: 2024-03-21. Review status: criteria provided, single submitter. Criteria: GeneDx Variant Classification Process June 2021. Collection method: clinical testing. Allele origin: germline. Affected: yes.
Comment: In silico analysis supports that this missense variant does not alter protein structure/function; Has not been previously published as pathogenic or benign to our knowledge